The following is an entry in ClinVar:

ClinVar aggregate classification (germline): Likely pathogenic (1 of 4 stars; one submission).

Conditions:
Charlevoix-Saguenay spastic ataxia (SACS). Also called: AUTOSOMAL RECESSIVE SPASTIC ATAXIA OF CHARLEVOIX-SAGUENAY; Spastic ataxia of Charlevoix-Saguenay; SPASTIC ATAXIA 6, AUTOSOMAL RECESSIVE. Identifiers: Orphanet 98, MedGen C1849140, MONDO:0010041, OMIM 270550.

Submission:

PROSPAX: an integrated multimodal progression  chart in spastic ataxias, Center for Neurology; Hertie-Institute for Clinical Brain Research
Classification: Likely pathogenic for Charlevoix-Saguenay spastic ataxia. Last evaluated: 2022-01-01. Review status: criteria provided, single submitter. Criteria: ACMG Guidelines, 2015. Collection method: research. Allele origin: germline. Affected: yes.
Comment: Variant seen in compound het: [c.5544dupA;c.12603C>A]

NM_014363.6(SACS):c.5544dup (p.Val1849fs)

Gene: SACS (sacsin molecular chaperone; minus strand). Cytogenetic location: 13q12.12.
Variant type: Duplication.
Coding change: c.5544dup on transcript NM_014363.6 (MANE Select); coding-DNA position 5544, one base duplicated (A; older notation c.5544dupA).
Protein change: p.Val1849fs; shifts the reading frame from valine 1849.
Molecular consequence: frameshift variant.
Genome position (GRCh38, 1-based): chr13:23,338,332, T duplicated on the plus strand (A on the coding strand, the reverse complement: SACS is on the minus strand). VCF-style (leftmost placement, unchanged base first): chr13-23338331-C-CT. GRCh37 (hg19) VCF-style: chr13-23912470-C-CT.
Other names: c.5103dup, p.Val1702fs (NM_001278055.2); short protein forms V1702fs, V1849fs.
Identifiers: ClinVar variation 3242483 (VCV003242483.1).